The following is an entry in ClinVar:

NM_032447.5(FBN3):c.2941C>T (p.Arg981Ter)

Gene: FBN3 (fibrillin 3; minus strand). Cytogenetic location: 19p13.2.
Variant type: single nucleotide variant.
Coding change: c.2941C>T on transcript NM_032447.5 (MANE Select); coding-DNA position 2941, C replaced by T.
Protein change: p.Arg981Ter; replaces arginine 981 with a stop codon.
Molecular consequence: nonsense.
Genome position (GRCh38, 1-based): chr19:8,123,799, G>A on the plus strand (C>T on the coding strand, the complement: FBN3 is on the minus strand). VCF-style: chr19-8123799-G-A. GRCh37 (hg19) VCF-style: chr19-8188683-G-A.
Other names: c.2941C>T, p.Arg981Ter (NM_001321431.2); short protein forms R981*.
Identifiers: ClinVar variation 1930750 (VCV001930750.4), dbSNP rs773010174, ClinGen allele CA9152669.

ClinVar aggregate classification (germline): Uncertain significance (1 of 4 stars; one submission).

Allele frequency attached by ClinVar (database versions not stated): gnomAD 0.00001; TOPMed 0.00001; ExAC 0.00003.

Submission:

Labcorp Genetics (formerly Invitae), Labcorp
Classification: Uncertain significance. Last evaluated: 2025-07-24. Review status: criteria provided, single submitter. Criteria: Invitae Variant Classification Sherloc (09022015). Collection method: clinical testing. Allele origin: germline.
Comment: This sequence change creates a premature translational stop signal (p.Arg981*) in the FBN3 gene. It is expected to result in an absent or disrupted protein product. However, the current clinical and genetic evidence is not sufficient to establish whether loss-of-function variants in FBN3 cause disease. This variant is present in population databases (rs773010174, gnomAD 0.007%). This variant has not been reported in the literature in individuals affected with FBN3-related conditions. ClinVar contains an entry for this variant (Variation ID: 1930750). In summary, the available evidence is currently insufficient to determine the role of this variant in disease. Therefore, it has been classified as a Variant of Uncertain Significance.